The following is an entry in ClinVar:

ClinVar aggregate classification (germline): Uncertain significance. Review status: criteria provided, multiple submitters, no conflicts (2 of 4 stars). 4 submissions from 3 submitters: Uncertain significance (4). Last evaluated 2025-02-11.

Conditions:
Usher syndrome type 1D (USH1D). Also called: USHER SYNDROME, TYPE ID. Identifiers: Orphanet 231169, Orphanet 886, MedGen C1832845, MONDO:0010984, OMIM 601067.
Autosomal recessive nonsyndromic hearing loss 12. Also called: DEAFNESS, AUTOSOMAL RECESSIVE 12. Identifiers: Orphanet 90636, MedGen C1832394, MONDO:0011067, OMIM 601386.

Allele frequency attached by ClinVar (database versions not stated): gnomAD exomes below 0.00001; gnomAD 0.00001; TOPMed 0.00002; ESP Exome Variant Server 0.00016.
gnomAD v4.1: 3 of 1,612,814 alleles (0.00019%); highest among the groups gnomAD compares: Non-Finnish European, 0.00025%; no homozygotes.

Submissions (4):

GeneDx
Classification: Uncertain significance. Last evaluated: 2025-02-11. Review status: criteria provided, single submitter. Criteria: GeneDx Variant Classification Process June 2021. Collection method: clinical testing. Allele origin: germline.
Comment: Not observed at significant frequency in large population cohorts (gnomAD); In silico analysis supports that this missense variant has a deleterious effect on protein structure/function; Has not been previously published as pathogenic or benign to our knowledge

Labcorp Genetics (formerly Invitae), Labcorp
Classification: Uncertain significance. Last evaluated: 2022-08-17. Review status: criteria provided, single submitter. Criteria: Invitae Variant Classification Sherloc (09022015). Collection method: clinical testing. Allele origin: germline.
Comment: This sequence change replaces glycine, which is neutral and non-polar, with serine, which is neutral and polar, at codon 932 of the CDH23 protein (p.Gly932Ser). This variant is not present in population databases (gnomAD no frequency). This variant has not been reported in the literature in individuals affected with CDH23-related conditions. ClinVar contains an entry for this variant (Variation ID: 300417). Algorithms developed to predict the effect of missense changes on protein structure and function are either unavailable or do not agree on the potential impact of this missense change (SIFT: "Deleterious"; PolyPhen-2: "Not Available"; Align-GVGD: "Class C55"). In summary, the available evidence is currently insufficient to determine the role of this variant in disease. Therefore, it has been classified as a Variant of Uncertain Significance.

Illumina Laboratory Services, Illumina
Classification: Uncertain significance for Usher syndrome type 1D. Last evaluated: 2018-01-13. Review status: criteria provided, single submitter. Criteria: ICSL Variant Classification Criteria 13 December 2019. Collection method: clinical testing. Allele origin: germline.

Illumina Laboratory Services, Illumina
Classification: Uncertain significance for Autosomal recessive nonsyndromic hearing loss 12. Last evaluated: 2018-01-13. Review status: criteria provided, single submitter. Criteria: ICSL Variant Classification Criteria 13 December 2019. Collection method: clinical testing. Allele origin: germline.

NM_022124.6(CDH23):c.2794G>A (p.Gly932Ser)

Gene: CDH23 (cadherin related 23; plus strand). Cytogenetic location: 10q22.1.
Variant type: single nucleotide variant.
Coding change: c.2794G>A on transcript NM_022124.6 (MANE Select); coding-DNA position 2794, G replaced by A.
Protein change: p.Gly932Ser; replaces glycine 932 with serine.
Molecular consequence: missense variant.
Genome position (GRCh38, 1-based): chr10:71,704,971, G>A. VCF-style: chr10-71704971-G-A. GRCh37 (hg19) VCF-style: chr10-73464728-G-A.
Other names: c.2794G>A, p.Gly932Ser (NM_001171930.2, NM_001171931.2); short protein forms G932S.
Identifiers: ClinVar variation 300417 (VCV000300417.9), dbSNP rs373305209, ClinGen allele CA10628815.
Genomic context (GRCh38, chr10:71,704,971, plus strand): 5'-GTGGTGGCCATCGACCTCGATGAGGGCCTGAACGGCCTGGTGTCCTACCGCATGCCGGTG[G>A]GCATGCCCCGCATGGACTTCCTCATCAACAGCAGCAGCGGCGTGGTGGTCACCACCACCG-3'
Protein context (NP_071407.4, residues 922-942): NGLVSYRMPV[Gly932Ser]MPRMDFLINS